The following is an entry in ClinVar:

ClinVar aggregate classification (germline): Likely benign (0 of 4 stars; one submission).

Conditions:
SCAPER-related disorder. Also called: SCAPER-related condition.

Allele frequency attached by ClinVar (database versions not stated): TOPMed below 0.00001; gnomAD 0.00001; gnomAD exomes 0.00002; ExAC 0.00007.
gnomAD v4.1: 37 of 1,591,694 alleles (0.0023%); highest among the groups gnomAD compares: South Asian, 0.038%; no homozygotes.

Submission:

PreventionGenetics, part of Exact Sciences
Classification: Likely benign for SCAPER-related condition. Last evaluated: 2019-04-05. Review status: no assertion criteria provided. Collection method: clinical testing. Allele origin: germline.
Comment: This variant is classified as likely benign based on ACMG/AMP sequence variant interpretation guidelines (Richards et al. 2015 PMID: 25741868, with internal and published modifications).

NM_020843.4(SCAPER):c.2622G>A (p.Lys874=)

Gene: SCAPER (S-phase cyclin A associated protein in the ER; minus strand). Cytogenetic location: 15q24.3.
Variant type: single nucleotide variant.
Coding change: c.2622G>A on transcript NM_020843.4 (MANE Select); coding-DNA position 2622, G replaced by A.
Protein change: p.Lys874=; no amino-acid change (lysine 874 retained).
Molecular consequence: synonymous variant. On other transcripts: non-coding transcript variant (1).
Genome position (GRCh38, 1-based): chr15:76,665,676, C>T on the plus strand (G>A on the coding strand, the complement: SCAPER is on the minus strand). VCF-style: chr15-76665676-C-T. GRCh37 (hg19) VCF-style: chr15-76958017-C-T.
Other names: c.1884G>A, p.Lys628= (NM_001145923.2); c.2640G>A, p.Lys880= (NM_001353009.2); c.2220G>A, p.Lys740= (NM_001353010.2, NM_001353012.2); c.2238G>A, p.Lys746= (NM_001353011.2).
Identifiers: ClinVar variation 3045476 (VCV003045476.2), dbSNP rs755498233, ClinGen allele CA7674666.